The following is an entry in ClinVar:

NM_000136.3(FANCC):c.382G>C (p.Asp128His)

Gene: FANCC (FA complementation group C; minus strand). Cytogenetic location: 9q22.32.
Variant type: single nucleotide variant.
Coding change: c.382G>C on transcript NM_000136.3 (MANE Select); coding-DNA position 382, G replaced by C.
Protein change: p.Asp128His; replaces aspartic acid 128 with histidine.
Molecular consequence: missense variant.
Genome position (GRCh38, 1-based): chr9:95,172,111, C>G on the plus strand (G>C on the coding strand, the complement: FANCC is on the minus strand). VCF-style: chr9-95172111-C-G. GRCh37 (hg19) VCF-style: chr9-97934393-C-G.
Other names: c.382G>C, p.Asp128His (NM_001243743.2, NM_001243744.2); short protein forms D128H.
Identifiers: ClinVar variation 3643047 (VCV003643047.2).

ClinVar aggregate classification (germline): Uncertain significance (1 of 4 stars; one submission).

Conditions:
Fanconi anemia (FA). Also called: Fanconi's anemia. Identifiers: Orphanet 84, MedGen C0015625, MeSH D005199, MONDO:0019391.

Submission:

Labcorp Genetics (formerly Invitae), Labcorp
Classification: Uncertain significance for Fanconi anemia. Last evaluated: 2024-02-24. Review status: criteria provided, single submitter. Criteria: Invitae Variant Classification Sherloc (09022015). Collection method: clinical testing. Allele origin: germline.
Comment: This sequence change replaces aspartic acid, which is acidic and polar, with histidine, which is basic and polar, at codon 128 of the FANCC protein (p.Asp128His). This variant is not present in population databases (gnomAD no frequency). This variant has not been reported in the literature in individuals affected with FANCC-related conditions. Advanced modeling of protein sequence and biophysical properties (such as structural, functional, and spatial information, amino acid conservation, physicochemical variation, residue mobility, and thermodynamic stability) performed at Invitae indicates that this missense variant is not expected to disrupt FANCC protein function with a negative predictive value of 80%. In summary, the available evidence is currently insufficient to determine the role of this variant in disease. Therefore, it has been classified as a Variant of Uncertain Significance.